The following is an entry in ClinVar:

ClinVar aggregate classification (germline): Pathogenic (1 of 4 stars; one submission).

Conditions:
Hereditary cancer-predisposing syndrome. Also called: Neoplastic Syndromes, Hereditary; Tumor predisposition; Hereditary Cancer Syndrome; Hereditary neoplastic syndrome. Identifiers: Orphanet 140162, MedGen C0027672, MeSH D009386, MONDO:0015356.

Submission:

Color Diagnostics, LLC DBA Color Health
Classification: Pathogenic for Hereditary cancer-predisposing syndrome. Last evaluated: 2024-09-10. Review status: criteria provided, single submitter. Criteria: ACMG Guidelines, 2015. Collection method: clinical testing. Allele origin: germline.
Comment: This variant inserts 1 nucleotide in exon 10 of the BRCA1 gene, creating a frameshift and premature translation stop signal. This variant is expected to result in an absent or non-functional protein product. To our knowledge, this variant has not been reported in individuals affected with BRCA1-related disorders in the literature. This variant has not been identified in the general population by the Genome Aggregation Database (gnomAD). Loss of BRCA1 function is a known mechanism of disease. Based on the available evidence, this variant is classified as Pathogenic.

NM_007294.4(BRCA1):c.922dup (p.Ser308fs)

Gene: BRCA1 (BRCA1 DNA repair associated; minus strand). Cytogenetic location: 17q21.31.
Variant type: Duplication.
Coding change: c.922dup on transcript NM_007294.4 (MANE Select); coding-DNA position 922, one base duplicated (A; older notation c.922dupA).
Protein change: p.Ser308fs; shifts the reading frame from serine 308.
Molecular consequence: frameshift variant. On other transcripts: intron variant (137).
Genome position (GRCh38, 1-based): chr17:43,094,609, T duplicated on the plus strand (A on the coding strand, the reverse complement: BRCA1 is on the minus strand); the first of 4 consecutive T bases (chr17:43,094,609-43,094,612); duplicating any one gives the same sequence. VCF-style (leftmost placement, unchanged base first): chr17-43094608-C-CT. GRCh37 (hg19) VCF-style: chr17-41246625-C-CT.
Other names: c.781dup, p.Ser261fs (NM_001407737.1, NM_001407738.1, NM_001407739.1 and 29 more transcripts); c.778dup, p.Ser260fs (NM_001407741.1, NM_001407740.1, NM_001407742.1 and 20 more transcripts); c.709dup, p.Ser237fs (NM_001407571.1, NM_001407853.1, NM_001407894.1 and 9 more transcripts); c.922dup, p.Ser308fs (NM_001407581.1, NM_001407582.1, NM_001407583.1 and 30 more transcripts); c.919dup, p.Ser307fs (NM_001407587.1, NM_001407590.1, NM_001407591.1 and 22 more transcripts); c.913dup, p.Ser305fs (NM_001407646.1, NM_001407647.1); c.799dup, p.Ser267fs (NM_001407648.1, NM_001407664.1, NM_001407665.1 and 19 more transcripts); c.796dup, p.Ser266fs (NM_001407649.1, NM_001407670.1, NM_001407671.1 and 11 more transcripts); and 40 more; short protein forms S140fs, S180fs, S197fs, S238fs, S260fs, S267fs, S281fs, S282fs.
Identifiers: ClinVar variation 2774864 (VCV002774864.2), dbSNP rs2154485304, ClinGen allele CA2697554277.